The following is an entry in ClinVar:

ClinVar aggregate classification (germline): Uncertain significance (1 of 4 stars; one submission).

Conditions:
Severe combined immunodeficiency due to DNA-PKcs deficiency. Also called: IMMUNODEFICIENCY 26 WITH NEUROLOGIC ABNORMALITIES; Immunodeficiency 26 with or without neurologic abnormalities. Identifiers: Orphanet 317425, MedGen C4014833, MONDO:0014423, OMIM 615966.

Allele frequency attached by ClinVar (database versions not stated): gnomAD exomes below 0.00001 and 0.00001; ExAC 0.00001; gnomAD 0.00001; TOPMed 0.00002.
gnomAD v4.1: 15 of 1,607,448 alleles (0.00093%); highest among the groups gnomAD compares: Non-Finnish European, 0.0012%; no homozygotes.

Submission:

Labcorp Genetics (formerly Invitae), Labcorp
Classification: Uncertain significance for Severe combined immunodeficiency due to DNA-PKcs deficiency. Last evaluated: 2021-03-24. Review status: criteria provided, single submitter. Criteria: Invitae Variant Classification Sherloc (09022015). Collection method: clinical testing. Allele origin: germline.
Comment: This sequence change replaces arginine with glutamine at codon 1184 of the PRKDC protein (p.Arg1184Gln). The arginine residue is highly conserved and there is a small physicochemical difference between arginine and glutamine. This variant is present in population databases (rs772338039, ExAC 0.009%). This variant has not been reported in the literature in individuals with PRKDC-related conditions. Experimental studies and prediction algorithms are not available or were not evaluated, and the functional significance of this variant is currently unknown. In summary, the available evidence is currently insufficient to determine the role of this variant in disease. Therefore, it has been classified as a Variant of Uncertain Significance.

NM_006904.7(PRKDC):c.3551G>A (p.Arg1184Gln)

Gene: PRKDC (protein kinase, DNA-activated, catalytic subunit; minus strand). Cytogenetic location: 8q11.21.
Variant type: single nucleotide variant.
Coding change: c.3551G>A on transcript NM_006904.7 (MANE Select); coding-DNA position 3551, G replaced by A.
Protein change: p.Arg1184Gln; replaces arginine 1184 with glutamine.
Molecular consequence: missense variant.
Genome position (GRCh38, 1-based): chr8:47,897,208, C>T on the plus strand (G>A on the coding strand, the complement: PRKDC is on the minus strand). VCF-style: chr8-47897208-C-T. GRCh37 (hg19) VCF-style: chr8-48809768-C-T.
Other names: c.3551G>A, p.Arg1184Gln (NM_001081640.2); short protein forms R1184Q.
Identifiers: ClinVar variation 1463707 (VCV001463707.3), dbSNP rs772338039, ClinGen allele CA4741148.